The following is an entry in ClinVar:

NM_000548.5(TSC2):c.5419G>A (p.Val1807Met)

Gene: TSC2 (TSC complex subunit 2; plus strand). Cytogenetic location: 16p13.3.
Variant type: single nucleotide variant.
Coding change: c.5419G>A on transcript NM_000548.5 (MANE Select); coding-DNA position 5419, G replaced by A.
Protein change: p.Val1807Met; replaces valine 1807 with methionine.
Molecular consequence: missense variant.
Genome position (GRCh38, 1-based): chr16:2,088,605, G>A. VCF-style: chr16-2088605-G-A. GRCh37 (hg19) VCF-style: chr16-2138606-G-A.
Other names: c.4687G>A, p.Val1563Met (NM_001318831.2); c.5251G>A, p.Val1751Met (NM_001318832.2); c.5221G>A, p.Val1741Met (NM_001363528.2); c.5218G>A, p.Val1740Met (NM_001077183.3); c.5350G>A, p.Val1784Met (NM_001114382.3); c.5110G>A, p.Val1704Met (NM_001318827.2); c.5074G>A, p.Val1692Met (NM_001318829.2); c.5287G>A, p.Val1763Met (NM_001370404.1); and 27 more; short protein forms V1540M, V1541M, V1587M, V1721M, V1741M, V1747M, V1783M, V1806M.
Identifiers: ClinVar variation 2131334 (VCV002131334.6), dbSNP rs45486402, ClinGen allele CA394316316.

ClinVar aggregate classification (germline): Uncertain significance. Review status: criteria provided, multiple submitters, no conflicts (2 of 4 stars). 3 submissions from 3 submitters: Uncertain significance (3). Last evaluated 2025-02-02.

Conditions:
Tuberous sclerosis 2 (TSC2). Identifiers: Orphanet 805, MedGen C1860707, MONDO:0013199, OMIM 613254.
Hereditary cancer-predisposing syndrome. Also called: Hereditary Cancer Syndrome; Neoplastic Syndromes, Hereditary; Hereditary neoplastic syndrome; Tumor predisposition. Identifiers: Orphanet 140162, MedGen C0027672, MeSH D009386, MONDO:0015356.
Tuberous sclerosis syndrome (TSC). Also called: Tuberous Sclerosis Complex; Tuberous sclerosis. Identifiers: Orphanet 805, MedGen C0041341, MONDO:0001734.

Allele frequency attached by ClinVar (database versions not stated): TOPMed below 0.00001; gnomAD 0.00001.
gnomAD v4.1: 4 of 1,602,864 alleles (0.00025%); highest among the groups gnomAD compares: African/African-American, 0.0013%; no homozygotes.

Submissions (3):

Ambry Genetics
Classification: Uncertain significance for Hereditary cancer-predisposing syndrome. Last evaluated: 2025-02-02. Review status: criteria provided, single submitter. Criteria: Ambry Variant Classification Scheme 2023. Collection method: clinical testing. Allele origin: germline.
Comment: The p.V1807M variant (also known as c.5419G>A), located in coding exon 41 of the TSC2 gene, results from a G to A substitution at nucleotide position 5419. The valine at codon 1807 is replaced by methionine, an amino acid with highly similar properties. This amino acid position is conserved. In addition, this alteration is predicted to be deleterious by in silico analysis. Based on the available evidence, the clinical significance of this variant remains unclear.

Labcorp Genetics (formerly Invitae), Labcorp
Classification: Uncertain significance for Tuberous sclerosis 2. Last evaluated: 2024-03-10. Review status: criteria provided, single submitter. Criteria: Invitae Variant Classification Sherloc (09022015). Collection method: clinical testing. Allele origin: germline.
Comment: This sequence change replaces valine, which is neutral and non-polar, with methionine, which is neutral and non-polar, at codon 1807 of the TSC2 protein (p.Val1807Met). This variant is not present in population databases (gnomAD no frequency). This variant has not been reported in the literature in individuals affected with TSC2-related conditions. ClinVar contains an entry for this variant (Variation ID: 2131334). Advanced modeling of protein sequence and biophysical properties (such as structural, functional, and spatial information, amino acid conservation, physicochemical variation, residue mobility, and thermodynamic stability) performed at Invitae indicates that this missense variant is not expected to disrupt TSC2 protein function with a negative predictive value of 95%. RNA analysis performed to evaluate the impact of this missense change on mRNA splicing indicates it does not significantly alter splicing (Invitae). In summary, the available evidence is currently insufficient to determine the role of this variant in disease. Therefore, it has been classified as a Variant of Uncertain Significance.

All of Us Research Program, National Institutes of Health
Classification: Uncertain significance for Tuberous sclerosis syndrome. Last evaluated: 2023-10-06. Review status: criteria provided, single submitter. Criteria: ACMG Guidelines, 2015. Collection method: clinical testing. Allele origin: germline. Inheritance: Autosomal dominant inheritance. Observed: 1 variant allele, 1 heterozygote.
Comment: This missense variant replaces valine with methionine at codon 1807 of the TSC2 protein. Computational prediction suggests that this variant may not impact protein structure and function (internally defined REVEL score threshold <= 0.5, PMID: 27666373). To our knowledge, functional studies have not been reported for this variant. This variant has not been reported in individuals affected with hereditary cancer in the literature. This variant has not been identified in the general population by the Genome Aggregation Database (gnomAD). The available evidence is insufficient to determine the role of this variant in disease conclusively. Therefore, this variant is classified as a Variant of Uncertain Significance.

This study involves interpretation of variants in research participants for the purpose of population health screening. Participant phenotype was not available at the time of variant classification. Additional details can be found in publication PMID: 35346344, PMCID: PMC8962531